The following is an entry in ClinVar:

NM_005982.4(SIX1):c.370G>A (p.Gly124Ser)

Gene: SIX1 (SIX homeobox 1; minus strand). Cytogenetic location: 14q23.1.
Variant type: single nucleotide variant.
Coding change: c.370G>A on transcript NM_005982.4 (MANE Select); coding-DNA position 370, G replaced by A.
Protein change: p.Gly124Ser; replaces glycine 124 with serine.
Molecular consequence: missense variant.
Genome position (GRCh38, 1-based): chr14:60,648,820, C>T on the plus strand (G>A on the coding strand, the complement: SIX1 is on the minus strand). VCF-style: chr14-60648820-C-T. GRCh37 (hg19) VCF-style: chr14-61115538-C-T.
Other names: c.370G>A, p.Gly124Ser (NM_001425142.1); short protein forms G124S.
Identifiers: ClinVar variation 3032822 (VCV003032822.2), dbSNP rs2502643986, ClinGen allele CA389910461.

ClinVar aggregate classification (germline): Uncertain significance (0 of 4 stars; one submission).

Conditions:
SIX1-related disorder. Also called: SIX1-related condition.

Submission:

PreventionGenetics, part of Exact Sciences
Classification: Uncertain significance for SIX1-related condition. Last evaluated: 2024-01-18. Review status: no assertion criteria provided. Collection method: clinical testing. Allele origin: germline.
Comment: The SIX1 c.370G>A variant is predicted to result in the amino acid substitution p.Gly124Ser. To our knowledge, this variant has not been reported in the literature or in a large population database, indicating this variant is rare. At this time, the clinical significance of this variant is uncertain due to the absence of conclusive functional and genetic evidence.